The following is an entry in ClinVar:

NM_015374.3(SUN2):c.1307C>T (p.Ala436Val)

Genes: GTPBP1 (GTP binding protein 1; plus strand), SUN2 (Sad1 and UNC84 domain containing 2; minus strand). Cytogenetic location: 22q13.1.
Variant type: single nucleotide variant.
Coding change: c.1307C>T on transcript NM_015374.3 (MANE Select); coding-DNA position 1307, C replaced by T.
Protein change: p.Ala436Val; replaces alanine 436 with valine.
Molecular consequence: missense variant.
Genome position (GRCh38, 1-based): chr22:38,740,316, G>A on the plus strand (C>T on the coding strand, the complement: SUN2 is on the minus strand). VCF-style: chr22-38740316-G-A. GRCh37 (hg19) VCF-style: chr22-39136321-G-A.
Other names: c.1370C>T, p.Ala457Val (NM_001199579.2, NM_001394428.1); c.1307C>T, p.Ala436Val (NM_001199580.2, NM_001394431.1, NM_001394432.1 and 5 more transcripts); c.1400C>T, p.Ala467Val (NM_001394427.1); c.1352C>T, p.Ala451Val (NM_001394429.1, NM_001394430.1); c.1217C>T, p.Ala406Val (NM_001394438.1); c.1169C>T, p.Ala390Val (NM_001394439.1, NM_001394440.1, NM_001394441.1); c.908C>T, p.Ala303Val (NM_001394442.1); c.815C>T, p.Ala272Val (NM_001394443.1); and 1 more; short protein forms A244V, A390V, A272V, A406V, A436V, A303V, A451V, A457V.
Identifiers: ClinVar variation 1936904 (VCV001936904.5), dbSNP rs555329396, ClinGen allele CA10235602.

ClinVar aggregate classification (germline): Uncertain significance (1 of 4 stars; one submission).

Conditions:
Emery-Dreifuss muscular dystrophy (EDMD). Also called: Scapuloperoneal syndrome, X-linked (formerly); Humeroperoneal neuromuscular disease, (formerly). Identifiers: Orphanet 261, MedGen C0410189, MONDO:0016830.

Allele frequency attached by ClinVar (database versions not stated): gnomAD exomes 0.00001; ExAC 0.00009; 1000 Genomes Project 30x 0.00016; 1000 Genomes Project 0.00020.
gnomAD v4.1: 22 of 1,603,482 alleles (0.0014%); highest among the groups gnomAD compares: Middle Eastern, 0.018%; no homozygotes.

Submission:

Labcorp Genetics (formerly Invitae), Labcorp
Classification: Uncertain significance for Emery-Dreifuss muscular dystrophy. Last evaluated: 2024-07-30. Review status: criteria provided, single submitter. Criteria: Invitae Variant Classification Sherloc (09022015). Collection method: clinical testing. Allele origin: germline.
Comment: This sequence change replaces alanine, which is neutral and non-polar, with valine, which is neutral and non-polar, at codon 436 of the SUN2 protein (p.Ala436Val). This variant is present in population databases (rs555329396, gnomAD 0.004%). This variant has not been reported in the literature in individuals affected with SUN2-related conditions. ClinVar contains an entry for this variant (Variation ID: 1936904). An algorithm developed to predict the effect of missense changes on protein structure and function (PolyPhen-2) suggests that this variant is likely to be tolerated. In summary, the available evidence is currently insufficient to determine the role of this variant in disease. Therefore, it has been classified as a Variant of Uncertain Significance.